The following is an entry in ClinVar:

ClinVar aggregate classification (germline): Pathogenic. Review status: criteria provided, multiple submitters, no conflicts (2 of 4 stars). 5 submissions from 5 submitters: Pathogenic (5). Last evaluated 2024-01-21.

Conditions:
Wilson disease (WND). Also called: Wilson's disease. Identifiers: Orphanet 905, MedGen C0019202, MONDO:0010200, OMIM 277900. Disease mechanism: loss of function.

Allele frequency attached by ClinVar (database versions not stated): gnomAD exomes below 0.00001.

Submissions (5):

Baylor Genetics
Classification: Pathogenic for Wilson disease. Last evaluated: 2024-01-21. Review status: criteria provided, single submitter. Criteria: ACMG Guidelines, 2015. Collection method: clinical testing. Allele origin: unknown.

Labcorp Genetics (formerly Invitae), Labcorp
Classification: Pathogenic for Wilson disease. Last evaluated: 2023-12-25. Review status: criteria provided, single submitter. Criteria: Invitae Variant Classification Sherloc (09022015). Collection method: clinical testing. Allele origin: germline.
Comment: This sequence change creates a premature translational stop signal (p.Val73Glufs*4) in the ATP7B gene. It is expected to result in an absent or disrupted protein product. Loss-of-function variants in ATP7B are known to be pathogenic (PMID: 10441329, 16283883). This variant is present in population databases (no rsID available, gnomAD 0.0009%). This premature translational stop signal has been observed in individual(s) with Wilson disease (PMID: 8533760). This variant is also known as 214delAT. ClinVar contains an entry for this variant (Variation ID: 647773). For these reasons, this variant has been classified as Pathogenic.

Women's Health and Genetics/Laboratory Corporation of America, LabCorp
Classification: Pathogenic for Wilson disease. Last evaluated: 2022-01-17. Review status: criteria provided, single submitter. Criteria: LabCorp Variant Classification Summary - May 2015. Collection method: clinical testing. Allele origin: germline.
Comment: Variant summary: ATP7B c.213_214delAT (p.Val73GlufsX4) results in a premature termination codon, predicted to cause a truncation of the encoded protein or absence of the protein due to nonsense mediated decay, which are commonly known mechanisms for disease. Truncations downstream of this position have been classified as pathogenic by our laboratory. The variant allele was found at a frequency of 4e-06 in 249202 control chromosomes (gnomAD). c.213_214delAT has been reported in the literature in multiple individuals affected with Wilson Disease (e.g. Angius_1998, Gialluisi_2013). These data indicate that the variant is very likely to be associated with disease. To our knowledge, no experimental evidence demonstrating an impact on protein function has been reported. Two ClinVar submitters (evaluation after 2014) cite the variant as pathogenic. Based on the evidence outlined above, the variant was classified as pathogenic.

Fulgent Genetics
Classification: Pathogenic for Wilson disease. Last evaluated: 2021-10-11. Review status: criteria provided, single submitter. Criteria: ACMG Guidelines, 2015. Collection method: clinical testing. Allele origin: unknown.

Genome-Nilou Lab
Classification: Pathogenic for Wilson disease. Last evaluated: 2021-08-10. Review status: criteria provided, single submitter. Criteria: ACMG Guidelines, 2015. Collection method: clinical testing. Allele origin: germline. Affected: no.

Literature cited by the submitters: PubMed 10441329 (cited by Labcorp Genetics (formerly Invitae), Labcorp); PubMed 16283883 (cited by Labcorp Genetics (formerly Invitae), Labcorp); PubMed 8533760 (cited by Labcorp Genetics (formerly Invitae), Labcorp); PubMed 23486543 (cited by Women's Health and Genetics/Laboratory Corporation of America, LabCorp); PubMed 9504786 (cited by Women's Health and Genetics/Laboratory Corporation of America, LabCorp).

NM_000053.4(ATP7B):c.213_214del (p.Val73fs)

Gene: ATP7B (ATPase copper transporting beta; minus strand). Cytogenetic location: 13q14.3.
Variant type: Deletion.
Coding change: c.213_214del on transcript NM_000053.4 (MANE Select); coding-DNA positions 213 to 214, 2 bases deleted (AT; older notation c.213_214delAT).
Protein change: p.Val73fs; shifts the reading frame from valine 73.
Molecular consequence: frameshift variant.
Genome position (GRCh38, 1-based): chr13:51,975,006-51,975,007, AT deleted on the plus strand (AT on the coding strand, the reverse complement: ATP7B is on the minus strand). VCF-style (leftmost placement, unchanged base first): chr13-51975005-CAT-C. GRCh37 (hg19) VCF-style: chr13-52549141-CAT-C.
Other names: c.213_214del, p.Val73fs (NM_001005918.3, NM_001243182.2, NM_001330578.2 and 1 more transcripts); short protein forms V73fs.
Identifiers: ClinVar variation 647773 (VCV000647773.14), dbSNP rs1445951068, ClinGen allele CA610425861.